The following is an entry in ClinVar:

ClinVar aggregate classification (germline): Likely pathogenic (1 of 4 stars; one submission).

Submission:

Labcorp Genetics (formerly Invitae), Labcorp
Classification: Likely pathogenic. Last evaluated: 2025-11-08. Review status: criteria provided, single submitter. Criteria: Invitae Variant Classification Sherloc (09022015). Collection method: clinical testing. Allele origin: germline.
Comment: This sequence change affects an acceptor splice site in intron 24 of the SI gene. It is expected to disrupt RNA splicing. Variants that disrupt the donor or acceptor splice site typically lead to a loss of protein function (PMID: 16199547), and loss-of-function variants in SI are known to be pathogenic (PMID: 16329100, 23103650, 25452324). The frequency data for this variant in the population databases is considered unreliable, as metrics indicate poor data quality at this position in the gnomAD database. Disruption of this splice site has been observed in individual(s) with clinical features of congenital sucrase-isomaltase deficiency (PMID: 37349966, 39676735). Algorithms developed to predict the effect of sequence changes on RNA splicing suggest that this variant may disrupt the consensus splice site. In summary, the currently available evidence indicates that the variant is pathogenic, but additional data are needed to prove that conclusively. Therefore, this variant has been classified as Likely Pathogenic.

Literature cited by the submitters: PubMed 16199547; PubMed 16329100; PubMed 23103650; PubMed 25452324; PubMed 37349966; PubMed 39676735.

NM_001041.4(SI):c.2737-1G>T

Gene: SI (sucrase-isomaltase; minus strand). Cytogenetic location: 3q26.1.
Variant type: single nucleotide variant.
Coding change: c.2737-1G>T on transcript NM_001041.4 (MANE Select); the canonical splice acceptor site of the intron before coding-DNA position 2737, G replaced by T.
Molecular consequence: splice acceptor variant.
Genome position (GRCh38, 1-based): chr3:165,030,868, C>A on the plus strand (G>T on the coding strand, the complement: SI is on the minus strand). VCF-style: chr3-165030868-C-A. GRCh37 (hg19) VCF-style: chr3-164748656-C-A.
Identifiers: ClinVar variation 4706838 (VCV004706838.1).